The following is an entry in ClinVar:

ClinVar aggregate classification (germline): Uncertain significance (1 of 4 stars; one submission).

Allele frequency attached by ClinVar (database versions not stated): gnomAD exomes below 0.00001.
gnomAD v4.1: 1 of 1,614,094 alleles (0.000062%); highest among the groups gnomAD compares: Non-Finnish European, 0.000085%; no homozygotes.

Submission:

Labcorp Genetics (formerly Invitae), Labcorp
Classification: Uncertain significance. Last evaluated: 2022-10-17. Review status: criteria provided, single submitter. Criteria: Invitae Variant Classification Sherloc (09022015). Collection method: clinical testing. Allele origin: germline.
Comment: This sequence change replaces valine, which is neutral and non-polar, with alanine, which is neutral and non-polar, at codon 1546 of the KAT6A protein (p.Val1546Ala). This variant is not present in population databases (gnomAD no frequency). This variant has not been reported in the literature in individuals affected with KAT6A-related conditions. Algorithms developed to predict the effect of missense changes on protein structure and function are either unavailable or do not agree on the potential impact of this missense change (SIFT: "Deleterious"; PolyPhen-2: "Benign"; Align-GVGD: "Class C0"). In summary, the available evidence is currently insufficient to determine the role of this variant in disease. Therefore, it has been classified as a Variant of Uncertain Significance.

NM_006766.5(KAT6A):c.4637T>C (p.Val1546Ala)

Gene: KAT6A (lysine acetyltransferase 6A; minus strand). Cytogenetic location: 8p11.21.
Variant type: single nucleotide variant.
Coding change: c.4637T>C on transcript NM_006766.5 (MANE Select); coding-DNA position 4637, T replaced by C.
Protein change: p.Val1546Ala; replaces valine 1546 with alanine.
Molecular consequence: missense variant.
Genome position (GRCh38, 1-based): chr8:41,933,583, A>G on the plus strand (T>C on the coding strand, the complement: KAT6A is on the minus strand). VCF-style: chr8-41933583-A-G. GRCh37 (hg19) VCF-style: chr8-41791101-A-G.
Other names: short protein forms V1546A.
Identifiers: ClinVar variation 1948170 (VCV001948170.5), dbSNP rs2486754215, ClinGen allele CA371065190.